The following is an entry in ClinVar:

NM_001904.4(CTNNB1):c.152A>G (p.Asn51Ser)

Genes: CTNNB1 (catenin beta 1; plus strand), LOC126806658 (BRD4-independent group 4 enhancer GRCh37_chr3:41265899-41267098; plus strand). Cytogenetic location: 3p22.1.
Variant type: single nucleotide variant.
Coding change: c.152A>G on transcript NM_001904.4 (MANE Select); coding-DNA position 152, A replaced by G.
Protein change: p.Asn51Ser; replaces asparagine 51 with serine.
Molecular consequence: missense variant.
Genome position (GRCh38, 1-based): chr3:41,224,664, A>G. VCF-style: chr3-41224664-A-G. GRCh37 (hg19) VCF-style: chr3-41266155-A-G.
Other names: c.152A>G, p.Asn51Ser (NM_001098209.2, NM_001098210.2); c.131A>G, p.Asn44Ser (NM_001330729.2); short protein forms N44S, N51S.
Identifiers: ClinVar variation 1428455 (VCV001428455.9), dbSNP rs1171472831, ClinGen allele CA352228591.

ClinVar aggregate classification (germline): Uncertain significance. Review status: criteria provided, multiple submitters, no conflicts (2 of 4 stars). 2 submissions from 2 submitters: Uncertain significance (2). Last evaluated 2022-02-17.

Allele frequency attached by ClinVar (database versions not stated): gnomAD exomes below 0.00001; TOPMed below 0.00001.
gnomAD v4.1: 4 of 1,614,026 alleles (0.00025%); highest among the groups gnomAD compares: South Asian, 0.0011%; no homozygotes.

Submissions (2):

GeneDx
Classification: Uncertain significance. Last evaluated: 2022-02-17. Review status: criteria provided, single submitter. Criteria: GeneDx Variant Classification Process June 2021. Collection method: clinical testing. Allele origin: germline. Affected: yes.
Comment: In silico analysis supports that this missense variant does not alter protein structure/function; Has not been previously published as pathogenic or benign to our knowledge

Labcorp Genetics (formerly Invitae), Labcorp
Classification: Uncertain significance. Last evaluated: 2020-12-10. Review status: criteria provided, single submitter. Criteria: Invitae Variant Classification Sherloc (09022015). Collection method: clinical testing. Allele origin: germline.
Comment: This sequence change replaces asparagine with serine at codon 51 of the CTNNB1 protein (p.Asn51Ser). The asparagine residue is moderately conserved and there is a small physicochemical difference between asparagine and serine. This variant is not present in population databases (ExAC no frequency). This variant has not been reported in the literature in individuals with CTNNB1-related conditions. Algorithms developed to predict the effect of missense changes on protein structure and function are either unavailable or do not agree on the potential impact of this missense change (SIFT: "Deleterious"; PolyPhen-2: "Benign"; Align-GVGD: "Class C0"). In summary, the available evidence is currently insufficient to determine the role of this variant in disease. Therefore, it has been classified as a Variant of Uncertain Significance.